The following is an entry in ClinVar:

ClinVar aggregate classification (germline): Uncertain significance (1 of 4 stars; one submission).

Conditions:
Inborn genetic diseases. Identifiers: MedGen C0950123, MeSH D030342.

Submission:

Ambry Genetics
Classification: Uncertain significance for Inborn genetic diseases. Last evaluated: 2026-07-24. Review status: criteria provided, single submitter. Criteria: Ambry Variant Classification Scheme 2023. Collection method: clinical testing. Allele origin: germline.
Comment: The p.D1252E variant (also known as c.3756C>G), located in coding exon 13 of the ASXL1 gene, results from a C to G substitution at nucleotide position 3756. The aspartic acid at codon 1252 is replaced by glutamic acid, an amino acid with highly similar properties. This amino acid position is conserved. In addition, this alteration is predicted to be tolerated by in silico analysis. Based on the available evidence, the clinical significance of this variant remains unclear.

NM_015338.6(ASXL1):c.3756C>G (p.Asp1252Glu)

Gene: ASXL1 (ASXL transcriptional regulator 1; plus strand). Cytogenetic location: 20q11.21.
Variant type: single nucleotide variant.
Coding change: c.3756C>G on transcript NM_015338.6 (MANE Select); coding-DNA position 3756, C replaced by G.
Protein change: p.Asp1252Glu; replaces aspartic acid 1252 with glutamic acid.
Molecular consequence: missense variant.
Genome position (GRCh38, 1-based): chr20:32,436,468, C>G. VCF-style: chr20-32436468-C-G. GRCh37 (hg19) VCF-style: chr20-31024271-C-G.
Other names: c.3573C>G, p.Asp1191Glu (NM_001363734.1); short protein forms D1252E, D1191E.
Identifiers: ClinVar variation 5030027 (VCV005030027.1).